The following is an entry in ClinVar:

NM_007294.4(BRCA1):c.5193+2803G>A

Gene: BRCA1 (BRCA1 DNA repair associated; minus strand). Cytogenetic location: 17q21.31.
Variant type: single nucleotide variant.
Coding change: c.5193+2803G>A on transcript NM_007294.4 (MANE Select); 2803 bases into the intron after coding-DNA position 5193, G replaced by A.
Molecular consequence: intron variant.
Genome position (GRCh38, 1-based): chr17:43,060,530, C>T on the plus strand (G>A on the coding strand, the complement: BRCA1 is on the minus strand). VCF-style: chr17-43060530-C-T. GRCh37 (hg19) VCF-style: chr17-41212547-C-T.
Other names: IVS 19+2803G>A; c.1740+2803G>A (NM_001408458.1, NM_001408461.1, NM_001408464.1 and 7 more transcripts); c.4302+2803G>A (NM_001407967.1); c.4812+2803G>A (NM_001407959.1); c.4926+2803G>A (NM_001407931.1, NM_001407932.1, NM_001407928.1 and 4 more transcripts); c.5049+2803G>A (NM_001407747.1, NM_001407745.1, NM_001407737.1 and 21 more transcripts); c.4809+2803G>A (NM_001407962.1, NM_001407960.1); c.1380+2803G>A (NM_001408512.1); and 73 more.
Identifiers: ClinVar variation 209306 (VCV000209306.2), dbSNP rs35330014, ClinGen allele CA276278.

ClinVar aggregate classification (germline): Benign (3 of 4 stars; one submission).

Conditions:
Breast-ovarian cancer, familial, susceptibility to, 1 (BROVCA1). Also called: BRCA1 Hereditary Breast and Ovarian Cancer; OVARIAN CANCER, SUSCEPTIBILITY TO. Identifiers: Orphanet 145, MedGen C2676676, MONDO:0011450, OMIM 604370. Disease mechanism: loss of function.

Allele frequency attached by ClinVar (database versions not stated): TOPMed 0.29145; gnomAD 0.30401 and 0.31126; 1000 Genomes Project 30x 0.33495; 1000 Genomes Project 0.34245.
gnomAD v4.1: 47,052 of 151,098 alleles (31%); highest among the groups gnomAD compares: South Asian, 49%; 7,685 homozygotes.

Submission:

Evidence-based Network for the Interpretation of Germline Mutant Alleles (ENIGMA)
Classification: Benign for Breast-ovarian cancer, familial 1. Last evaluated: 2015-01-12. Review status: reviewed by expert panel. Criteria: ENIGMA BRCA1/2 Classification Criteria (2015). Collection method: curation. Allele origin: germline.
Comment: Class 1 not pathogenic based on frequency >1% in an outbred sampleset. Frequency 0.3304 (Asian), 0.2154 (African), 0.3602 (European), derived from 1000 genomes (2012-04-30).